The following is an entry in ClinVar:

ClinVar aggregate classification (germline): Uncertain significance. Review status: criteria provided, multiple submitters, no conflicts (2 of 4 stars). 2 submissions from 2 submitters: Uncertain significance (2). Last evaluated 2026-04-14.

Conditions:
Familial intrahepatic cholestasis. Identifiers: Orphanet 284385, MedGen CN296401, MONDO:0017290.

Allele frequency attached by ClinVar (database versions not stated): TOPMed 0.00001.
gnomAD v4.1: 3 of 1,613,684 alleles (0.00019%); highest among the groups gnomAD compares: Non-Finnish European, 0.00025%; no homozygotes.

Submissions (2):

Genomenon, Inc
Classification: Uncertain significance for Familial intrahepatic cholestasis. Last evaluated: 2026-04-14. Review status: criteria provided, single submitter. Criteria: Genomenon Sequence Variant Interpretation Standards - Updated. Collection method: curation. Allele origin: germline. Affected: yes.
Comment: ABCB11 p.Thr1256Arg (c.3767C>G) is a missense variant that changes the amino acid at residue 1256 from Threonine to Arginine. This variant has been observed in at least one proband with an ABCB11-related disorder (PMID:35780807). It is absent or not present at a significant frequency in gnomAD. In conclusion, we classify ABCB11 p.Thr1256Arg (c.3767C>G) as a variant of uncertain significance.

Eurofins Ntd Llc (ga)
Classification: Uncertain significance. Last evaluated: 2016-05-02. Review status: criteria provided, single submitter. Criteria: EGL Classification Definitions 2015. Collection method: clinical testing. Allele origin: germline. Observed: 1 variant allele, 1 heterozygote.

Literature cited by the submitters: PubMed 35780807 (cited by Genomenon, Inc).

NM_003742.4(ABCB11):c.3767C>G (p.Thr1256Arg)

Gene: ABCB11 (ATP binding cassette subfamily B member 11; minus strand). Cytogenetic location: 2q31.1.
Variant type: single nucleotide variant.
Coding change: c.3767C>G on transcript NM_003742.4 (MANE Select); coding-DNA position 3767, C replaced by G.
Protein change: p.Thr1256Arg; replaces threonine 1256 with arginine.
Molecular consequence: missense variant.
Genome position (GRCh38, 1-based): chr2:168,923,821, G>C on the plus strand (C>G on the coding strand, the complement: ABCB11 is on the minus strand). VCF-style: chr2-168923821-G-C. GRCh37 (hg19) VCF-style: chr2-169780331-G-C.
Other names: c.3767C>G, p.Thr1256Arg (LRG_1199t1); short protein forms T1256R.
Identifiers: ClinVar variation 287365 (VCV000287365.6), dbSNP rs763244136, ClinGen allele CA1950928.